The following is an entry in ClinVar:

ClinVar aggregate classification (germline): Uncertain significance (1 of 4 stars; one submission).

Allele frequency attached by ClinVar (database versions not stated): ExAC below 0.00001; gnomAD exomes below 0.00001.
gnomAD v4.1: 1 of 1,579,322 alleles (0.000063%); highest among the groups gnomAD compares: Non-Finnish European, 0.000086%; no homozygotes.

Submission:

Labcorp Genetics (formerly Invitae), Labcorp
Classification: Uncertain significance. Last evaluated: 2025-03-15. Review status: criteria provided, single submitter. Criteria: Invitae Variant Classification Sherloc (09022015). Collection method: clinical testing. Allele origin: germline.
Comment: This sequence change replaces arginine, which is basic and polar, with tryptophan, which is neutral and slightly polar, at codon 73 of the PLEKHM2 protein (p.Arg73Trp). The frequency data for this variant in the population databases is considered unreliable, as metrics indicate poor data quality at this position in the gnomAD database. This variant has not been reported in the literature in individuals affected with PLEKHM2-related conditions. ClinVar contains an entry for this variant (Variation ID: 544344). An algorithm developed to predict the effect of missense changes on protein structure and function (PolyPhen-2) suggests that this variant is likely to be disruptive. In summary, the available evidence is currently insufficient to determine the role of this variant in disease. Therefore, it has been classified as a Variant of Uncertain Significance.

NM_015164.4(PLEKHM2):c.217C>T (p.Arg73Trp)

Gene: PLEKHM2 (pleckstrin homology and RUN domain containing M2; plus strand). Cytogenetic location: 1p36.21.
Variant type: single nucleotide variant.
Coding change: c.217C>T on transcript NM_015164.4 (MANE Select); coding-DNA position 217, C replaced by T.
Protein change: p.Arg73Trp; replaces arginine 73 with tryptophan.
Molecular consequence: missense variant.
Genome position (GRCh38, 1-based): chr1:15,716,756, C>T. VCF-style: chr1-15716756-C-T. GRCh37 (hg19) VCF-style: chr1-16043251-C-T.
Other names: short protein forms R73W.
Identifiers: ClinVar variation 544344 (VCV000544344.8), dbSNP rs778698313, ClinGen allele CA616630.